The following is an entry in ClinVar:

NM_018706.7(DHTKD1):c.649G>A (p.Val217Ile)

Gene: DHTKD1 (dehydrogenase E1 and transketolase domain containing 1; plus strand). Cytogenetic location: 10p14.
Variant type: single nucleotide variant.
Coding change: c.649G>A on transcript NM_018706.7 (MANE Select); coding-DNA position 649, G replaced by A.
Protein change: p.Val217Ile; replaces valine 217 with isoleucine.
Molecular consequence: missense variant.
Genome position (GRCh38, 1-based): chr10:12,087,661, G>A. VCF-style: chr10-12087661-G-A. GRCh37 (hg19) VCF-style: chr10-12129660-G-A.
Other names: short protein forms V217I.
Identifiers: ClinVar variation 1951270 (VCV001951270.5), dbSNP rs146092898, ClinGen allele CA376018199.

ClinVar aggregate classification (germline): Uncertain significance (1 of 4 stars; one submission).

Conditions:
2-aminoadipic 2-oxoadipic aciduria (AAKAD). Also called: ALPHA-AMINOADIPIC AND ALPHA-KETOADIPIC ACIDURIA; Aminoadipic aciduria. Identifiers: Orphanet 79154, MedGen C1859817, MONDO:0008774, OMIM 204750.

Submission:

Labcorp Genetics (formerly Invitae), Labcorp
Classification: Uncertain significance for 2-aminoadipic 2-oxoadipic aciduria. Last evaluated: 2023-10-13. Review status: criteria provided, single submitter. Criteria: Invitae Variant Classification Sherloc (09022015). Collection method: clinical testing. Allele origin: germline.
Comment: This sequence change replaces valine, which is neutral and non-polar, with isoleucine, which is neutral and non-polar, at codon 217 of the DHTKD1 protein (p.Val217Ile). This variant is not present in population databases (gnomAD no frequency). This variant has not been reported in the literature in individuals affected with DHTKD1-related conditions. ClinVar contains an entry for this variant (Variation ID: 1951270). Advanced modeling of protein sequence and biophysical properties (such as structural, functional, and spatial information, amino acid conservation, physicochemical variation, residue mobility, and thermodynamic stability) performed at Invitae indicates that this missense variant is not expected to disrupt DHTKD1 protein function. In summary, the available evidence is currently insufficient to determine the role of this variant in disease. Therefore, it has been classified as a Variant of Uncertain Significance.